The following is an entry in ClinVar:

ClinVar aggregate classification (germline): Uncertain significance (1 of 4 stars; one submission).

gnomAD v4.1: 1 of 1,614,218 alleles (0.000062%); highest among the groups gnomAD compares: Non-Finnish European, 0.000085%; no homozygotes.

Submission:

Labcorp Genetics (formerly Invitae), Labcorp
Classification: Uncertain significance. Last evaluated: 2022-09-13. Review status: criteria provided, single submitter. Criteria: Invitae Variant Classification Sherloc (09022015). Collection method: clinical testing. Allele origin: germline.
Comment: This sequence change replaces isoleucine, which is neutral and non-polar, with valine, which is neutral and non-polar, at codon 1341 of the MTOR protein (p.Ile1341Val). This variant is not present in population databases (gnomAD no frequency). This variant has not been reported in the literature in individuals affected with MTOR-related conditions. Advanced modeling of protein sequence and biophysical properties (such as structural, functional, and spatial information, amino acid conservation, physicochemical variation, residue mobility, and thermodynamic stability) performed at Invitae indicates that this missense variant is not expected to disrupt MTOR protein function. In summary, the available evidence is currently insufficient to determine the role of this variant in disease. Therefore, it has been classified as a Variant of Uncertain Significance.

NM_004958.4(MTOR):c.4021A>G (p.Ile1341Val)

Gene: MTOR (mechanistic target of rapamycin kinase; minus strand). Cytogenetic location: 1p36.22.
Variant type: single nucleotide variant.
Coding change: c.4021A>G on transcript NM_004958.4 (MANE Select); coding-DNA position 4021, A replaced by G.
Protein change: p.Ile1341Val; replaces isoleucine 1341 with valine.
Molecular consequence: missense variant.
Genome position (GRCh38, 1-based): chr1:11,199,627, T>C on the plus strand (A>G on the coding strand, the complement: MTOR is on the minus strand). VCF-style: chr1-11199627-T-C. GRCh37 (hg19) VCF-style: chr1-11259684-T-C.
Other names: c.4021A>G, p.Ile1341Val (NM_001386500.1); c.2773A>G, p.Ile925Val (NM_001386501.1); short protein forms I1341V, I925V.
Identifiers: ClinVar variation 2089048 (VCV002089048.4), dbSNP rs2100746598, ClinGen allele CA338390700.